The following is an entry in ClinVar:

ClinVar aggregate classification (germline): Uncertain significance (1 of 4 stars; one submission).

Conditions:
Wilson disease (WND). Also called: Wilson's disease. Identifiers: Orphanet 905, MedGen C0019202, MONDO:0010200, OMIM 277900. Disease mechanism: loss of function.

Submission:

All of Us Research Program, National Institutes of Health
Classification: Uncertain significance for Wilson disease. Last evaluated: 2023-04-03. Review status: criteria provided, single submitter. Criteria: ACMG Guidelines, 2015. Collection method: clinical testing. Allele origin: germline. Inheritance: Autosomal recessive inheritance. Observed: 1 variant allele, 1 heterozygote.
Comment: This missense variant replaces proline with leucine at codon 467 of the ATP7B protein. Computational prediction suggests that this variant may not impact protein structure and function (internally defined REVEL score threshold <= 0.5, PMID: 27666373). To our knowledge, functional studies have not been reported for this variant. This variant has not been reported in individuals affected with ATP7B-related disorders in the literature. This variant has not been identified in the general population by the Genome Aggregation Database (gnomAD). The available evidence is insufficient to determine the role of this variant in disease conclusively. Therefore, this variant is classified as a Variant of Uncertain Significance.

This study involves interpretation of variants in research participants for the purpose of population health screening. Participant phenotype was not available at the time of variant classification. Additional details can be found in publication PMID: 35346344, PMCID: PMC8962531

NM_000053.4(ATP7B):c.1400C>T (p.Pro467Leu)

Gene: ATP7B (ATPase copper transporting beta; minus strand). Cytogenetic location: 13q14.3.
Variant type: single nucleotide variant.
Coding change: c.1400C>T on transcript NM_000053.4 (MANE Select); coding-DNA position 1400, C replaced by T.
Protein change: p.Pro467Leu; replaces proline 467 with leucine.
Molecular consequence: missense variant. On other transcripts: intron variant (1).
Genome position (GRCh38, 1-based): chr13:51,970,635, G>A on the plus strand (C>T on the coding strand, the complement: ATP7B is on the minus strand). VCF-style: chr13-51970635-G-A. GRCh37 (hg19) VCF-style: chr13-52544771-G-A.
Other names: c.1400C>T, p.Pro467Leu (NM_001406513.1, NM_001406514.1, NM_001406515.1 and 28 more transcripts); c.1304C>T, p.Pro435Leu (NM_001406517.1, NM_001406518.1, NM_001406536.1 and 3 more transcripts); c.971C>T, p.Pro324Leu (NM_001406539.1); c.1067C>T, p.Pro356Leu (NM_001243182.2); c.1285+3300C>T (NM_001406548.1); short protein forms P324L, P356L, P435L, P467L.
Identifiers: ClinVar variation 3070123 (VCV003070123.1), dbSNP rs2547794334, ClinGen allele CA388035829.